The following is an entry in ClinVar:

ClinVar aggregate classification (germline): Uncertain significance (1 of 4 stars; one submission).

Conditions:
Inborn genetic diseases. Identifiers: MedGen C0950123, MeSH D030342.

Submission:

Ambry Genetics
Classification: Uncertain significance for Inborn genetic diseases. Last evaluated: 2025-04-06. Review status: criteria provided, single submitter. Criteria: Ambry Variant Classification Scheme 2023. Collection method: clinical testing. Allele origin: germline.
Comment: The p.E566V variant (also known as c.1697A>T), located in coding exon 13 of the FANCG gene, results from an A to T substitution at nucleotide position 1697. The glutamic acid at codon 566 is replaced by valine, an amino acid with dissimilar properties. This amino acid position is conserved. In addition, the in silico prediction for this alteration is inconclusive. Based on the available evidence, the clinical significance of this variant remains unclear.

NM_004629.2(FANCG):c.1697A>T (p.Glu566Val)

Gene: FANCG (FA complementation group G; minus strand). Cytogenetic location: 9p13.3.
Variant type: single nucleotide variant.
Coding change: c.1697A>T on transcript NM_004629.2 (MANE Select); coding-DNA position 1697, A replaced by T.
Protein change: p.Glu566Val; replaces glutamic acid 566 with valine.
Molecular consequence: missense variant.
Genome position (GRCh38, 1-based): chr9:35,074,434, T>A on the plus strand (A>T on the coding strand, the complement: FANCG is on the minus strand). VCF-style: chr9-35074434-T-A. GRCh37 (hg19) VCF-style: chr9-35074431-T-A.
Other names: short protein forms E566V.
Identifiers: ClinVar variation 4022479 (VCV004022479.1).
Genomic context (GRCh38, chr9:35,074,434, plus strand): 5'-AGAGCATCTTCATGTGACCCCTTAGTTTGGGCCTCCAGCCTCCACCAGAGTGCAGTGGCC[T>A]CATCCCTCCGATCTAGCCTCTTCAGAGTCTGAAGCAGGTGAAAGTAAGTGTCTCGATTAC-3'
Protein context (NP_004620.1, residues 556-576): QTLKRLDRRD[Glu566Val]ATALWWRLEA